The following is an entry in ClinVar:

NM_000254.3(MTR):c.2647G>A (p.Val883Ile)

Gene: MTR (5-methyltetrahydrofolate-homocysteine methyltransferase; plus strand). Cytogenetic location: 1q43.
Variant type: single nucleotide variant.
Coding change: c.2647G>A on transcript NM_000254.3 (MANE Select); coding-DNA position 2647, G replaced by A.
Protein change: p.Val883Ile; replaces valine 883 with isoleucine.
Molecular consequence: missense variant.
Genome position (GRCh38, 1-based): chr1:236,880,807, G>A. VCF-style: chr1-236880807-G-A. GRCh37 (hg19) VCF-style: chr1-237044107-G-A.
Other names: c.2494G>A, p.Val832Ile (NM_001291939.1); c.1426G>A, p.Val476Ile (NM_001291940.2); c.2458G>A, p.Val820Ile (NM_001410942.1); c.2647G>A (NM_000254.2); short protein forms V476I, V820I, V832I, V883I.
Identifiers: ClinVar variation 1915193 (VCV001915193.6), dbSNP rs755016532, ClinGen allele CA1474461.

ClinVar aggregate classification (germline): Uncertain significance. Review status: criteria provided, multiple submitters, no conflicts (2 of 4 stars). 2 submissions from 2 submitters: Uncertain significance (2). Last evaluated 2025-11-03.

Conditions:
Methylcobalamin deficiency type cblG (HMAG). Also called: HOMOCYSTINURIA-MEGALOBLASTIC ANEMIA, cblG TYPE; HOMOCYSTINURIA-MEGALOBLASTIC ANEMIA DUE TO DEFECT IN COBALAMIN METABOLISM, cblG COMPLEMENTATION TYPE; Functional methionine synthase deficiency type cblG; HOMOCYSTINURIA-MEGALOBLASTIC ANEMIA, cblG COMPLEMENTATION TYPE. Identifiers: Orphanet 2170, Orphanet 622, MedGen C1855128, MONDO:0009609, OMIM 250940.
Inborn genetic diseases. Identifiers: MedGen C0950123, MeSH D030342.

Allele frequency attached by ClinVar (database versions not stated): gnomAD exomes 0.00001; ExAC 0.00002.
gnomAD v4.1: 5 of 1,614,208 alleles (0.00031%); highest among the groups gnomAD compares: Admixed American, 0.0083%; no homozygotes.

Submissions (2):

Ambry Genetics
Classification: Uncertain significance for Inborn genetic diseases. Last evaluated: 2025-11-03. Review status: criteria provided, single submitter. Criteria: Ambry Variant Classification Scheme 2023. Collection method: clinical testing. Allele origin: germline.

Labcorp Genetics (formerly Invitae), Labcorp
Classification: Uncertain significance for Methylcobalamin deficiency type cblG. Last evaluated: 2024-12-02. Review status: criteria provided, single submitter. Criteria: Invitae Variant Classification Sherloc (09022015). Collection method: clinical testing. Allele origin: germline.
Comment: This sequence change replaces valine, which is neutral and non-polar, with isoleucine, which is neutral and non-polar, at codon 883 of the MTR protein (p.Val883Ile). This variant is present in population databases (rs755016532, gnomAD 0.009%). This variant has not been reported in the literature in individuals affected with MTR-related conditions. ClinVar contains an entry for this variant (Variation ID: 1915193). Invitae Evidence Modeling of protein sequence and biophysical properties (such as structural, functional, and spatial information, amino acid conservation, physicochemical variation, residue mobility, and thermodynamic stability) has been performed for this missense variant. However, the output from this modeling did not meet the statistical confidence thresholds required to predict the impact of this variant on MTR protein function. In summary, the available evidence is currently insufficient to determine the role of this variant in disease. Therefore, it has been classified as a Variant of Uncertain Significance.